The following is an entry in ClinVar:

ClinVar aggregate classification (germline): Likely benign (1 of 4 stars; one submission).

Conditions:
COL7A1-related disorder. Also called: COL7A1-related condition; COL7A1- related disorders.

gnomAD v4.1: 6 of 1,605,122 alleles (0.00037%); highest among the groups gnomAD compares: African/African-American, 0.0013%; no homozygotes.

Submission:

PreventionGenetics, part of Exact Sciences
Classification: Likely benign for COL7A1-related condition. Last evaluated: 2025-10-14. Review status: criteria provided, single submitter. Criteria: ACMG Guidelines, 2015. Collection method: clinical testing. Allele origin: germline.
Comment: This variant is classified as likely benign based on ACMG/AMP sequence variant interpretation guidelines (Richards et al. 2015 PMID: 25741868, with internal and published modifications).

NM_000094.4(COL7A1):c.7759-22C>T

Gene: COL7A1 (collagen type VII alpha 1 chain; minus strand). Cytogenetic location: 3p21.31.
Variant type: single nucleotide variant.
Coding change: c.7759-22C>T on transcript NM_000094.4 (MANE Select); 22 bases into the intron before coding-DNA position 7759, C replaced by T.
Molecular consequence: intron variant.
Genome position (GRCh38, 1-based): chr3:48,568,556, G>A on the plus strand (C>T on the coding strand, the complement: COL7A1 is on the minus strand). VCF-style: chr3-48568556-G-A. GRCh37 (hg19) VCF-style: chr3-48605989-G-A.
Identifiers: ClinVar variation 4983045 (VCV004983045.1).